The following is an entry in ClinVar:

NM_000070.3(CAPN3):c.683T>C (p.Met228Thr)

Gene: CAPN3 (calpain 3; plus strand). Cytogenetic location: 15q15.1.
Variant type: single nucleotide variant.
Coding change: c.683T>C on transcript NM_000070.3 (MANE Select); coding-DNA position 683, T replaced by C.
Protein change: p.Met228Thr; replaces methionine 228 with threonine.
Molecular consequence: missense variant.
Genome position (GRCh38, 1-based): chr15:42,388,978, T>C. VCF-style: chr15-42388978-T-C. GRCh37 (hg19) VCF-style: chr15-42681176-T-C.
Other names: c.683T>C, p.Met228Thr (NM_024344.2, NM_173087.2); short protein forms M228T.
Identifiers: ClinVar variation 3368552 (VCV003368552.1).

ClinVar aggregate classification (germline): Uncertain significance (1 of 4 stars; one submission).

gnomAD v4.1: 2 of 1,614,048 alleles (0.00012%); highest among the groups gnomAD compares: African/African-American, 0.0013%; no homozygotes.

Submission:

GeneDx
Classification: Uncertain significance. Last evaluated: 2024-01-30. Review status: criteria provided, single submitter. Criteria: GeneDx Variant Classification Process June 2021. Collection method: clinical testing. Allele origin: germline. Affected: yes.
Comment: Not observed at significant frequency in large population cohorts (gnomAD); In silico analysis supports that this missense variant has a deleterious effect on protein structure/function; Has not been previously published as pathogenic or benign to our knowledge